The following is an entry in ClinVar:

ClinVar aggregate classification (germline): Uncertain significance. Review status: criteria provided, multiple submitters, no conflicts (2 of 4 stars). 2 submissions from 2 submitters: Uncertain significance (2). Last evaluated 2025-06-29.

Conditions:
Inborn genetic diseases. Identifiers: MedGen C0950123, MeSH D030342.

Allele frequency attached by ClinVar (database versions not stated): gnomAD 0.00001; gnomAD exomes 0.00001; TOPMed 0.00002; 1000 Genomes Project 0.00020; 1000 Genomes Project 30x 0.00031.
gnomAD v4.1: 14 of 1,614,180 alleles (0.00087%); highest among the groups gnomAD compares: East Asian, 0.0022%; no homozygotes.

Submissions (2):

Ambry Genetics
Classification: Uncertain significance for Inborn genetic diseases. Last evaluated: 2025-06-29. Review status: criteria provided, single submitter. Criteria: Ambry Variant Classification Scheme 2023. Collection method: clinical testing. Allele origin: germline.

Labcorp Genetics (formerly Invitae), Labcorp
Classification: Uncertain significance. Last evaluated: 2024-08-13. Review status: criteria provided, single submitter. Criteria: Invitae Variant Classification Sherloc (09022015). Collection method: clinical testing. Allele origin: germline.
Comment: This sequence change replaces serine, which is neutral and polar, with threonine, which is neutral and polar, at codon 3904 of the ANK3 protein (p.Ser3904Thr). This variant is present in population databases (rs201833011, gnomAD 0.007%). This variant has not been reported in the literature in individuals affected with ANK3-related conditions. Advanced modeling of protein sequence and biophysical properties (such as structural, functional, and spatial information, amino acid conservation, physicochemical variation, residue mobility, and thermodynamic stability) performed at Invitae indicates that this missense variant is not expected to disrupt ANK3 protein function with a negative predictive value of 80%. In summary, the available evidence is currently insufficient to determine the role of this variant in disease. Therefore, it has been classified as a Variant of Uncertain Significance.

NM_020987.5(ANK3):c.11710T>A (p.Ser3904Thr)

Gene: ANK3 (ankyrin 3; minus strand). Cytogenetic location: 10q21.2.
Variant type: single nucleotide variant.
Coding change: c.11710T>A on transcript NM_020987.5 (MANE Select); coding-DNA position 11710, T replaced by A.
Protein change: p.Ser3904Thr; replaces serine 3904 with threonine.
Molecular consequence: missense variant. On other transcripts: intron variant (4).
Genome position (GRCh38, 1-based): chr10:60,069,171, A>T on the plus strand (T>A on the coding strand, the complement: ANK3 is on the minus strand). VCF-style: chr10-60069171-A-T. GRCh37 (hg19) VCF-style: chr10-61828929-A-T.
Other names: c.11710T>A (NM_020987.3); c.4388-1162T>A (NM_001204403.2); c.4409-1162T>A (NM_001204404.2); c.4406-1162T>A (NM_001320874.2); c.1808-1162T>A (NM_001149.4); short protein forms S3904T.
Identifiers: ClinVar variation 2998778 (VCV002998778.4), dbSNP rs201833011, ClinGen allele CA207323738.